The following is an entry in ClinVar:

NM_001130144.3(LTBP3):c.1640C>G (p.Ser547Trp)

Gene: LTBP3 (latent transforming growth factor beta binding protein 3; minus strand). Cytogenetic location: 11q13.1.
Variant type: single nucleotide variant.
Coding change: c.1640C>G on transcript NM_001130144.3 (MANE Select); coding-DNA position 1640, C replaced by G.
Protein change: p.Ser547Trp; replaces serine 547 with tryptophan.
Molecular consequence: missense variant.
Genome position (GRCh38, 1-based): chr11:65,551,206, G>C on the plus strand (C>G on the coding strand, the complement: LTBP3 is on the minus strand). VCF-style: chr11-65551206-G-C. GRCh37 (hg19) VCF-style: chr11-65318677-G-C.
Other names: c.1289C>G, p.Ser430Trp (NM_001164266.1); c.1640C>G, p.Ser547Trp (NM_021070.4); short protein forms S430W, S547W.
Identifiers: ClinVar variation 1994571 (VCV001994571.4), dbSNP rs1191560560, ClinGen allele CA381272781.

ClinVar aggregate classification (germline): Uncertain significance (1 of 4 stars; one submission).

Conditions:
Brachyolmia-amelogenesis imperfecta syndrome. Also called: PLATYSPONDYLY WITH AMELOGENESIS IMPERFECTA; Tooth agenesis, selective, 6; Dental anomalies and short stature. Identifiers: Orphanet 2899, MedGen C1832594, MONDO:0011018, OMIM 601216. Disease mechanism: loss of function.

Submission:

Labcorp Genetics (formerly Invitae), Labcorp
Classification: Uncertain significance for Brachyolmia-amelogenesis imperfecta syndrome. Last evaluated: 2022-05-15. Review status: criteria provided, single submitter. Criteria: Invitae Variant Classification Sherloc (09022015). Collection method: clinical testing. Allele origin: germline.
Comment: In summary, the available evidence is currently insufficient to determine the role of this variant in disease. Therefore, it has been classified as a Variant of Uncertain Significance. Algorithms developed to predict the effect of missense changes on protein structure and function are either unavailable or do not agree on the potential impact of this missense change (SIFT: "Deleterious"; PolyPhen-2: "Possibly Damaging"; Align-GVGD: "Class C0"). This variant has not been reported in the literature in individuals affected with LTBP3-related conditions. This variant is not present in population databases (gnomAD no frequency). This sequence change replaces serine, which is neutral and polar, with tryptophan, which is neutral and slightly polar, at codon 547 of the LTBP3 protein (p.Ser547Trp).